The following is an entry in ClinVar:

NM_004621.6(TRPC6):c.5G>C (p.Ser2Thr)

Gene: TRPC6 (transient receptor potential cation channel subfamily C member 6; minus strand). Cytogenetic location: 11q22.1.
Variant type: single nucleotide variant.
Coding change: c.5G>C on transcript NM_004621.6 (MANE Select); coding-DNA position 5, G replaced by C.
Protein change: p.Ser2Thr; replaces serine 2 with threonine.
Molecular consequence: missense variant.
Genome position (GRCh38, 1-based): chr11:101,583,499, C>G on the plus strand (G>C on the coding strand, the complement: TRPC6 is on the minus strand). VCF-style: chr11-101583499-C-G. GRCh37 (hg19) VCF-style: chr11-101454230-C-G.
Other names: short protein forms S2T.
Identifiers: ClinVar variation 266000 (VCV000266000.9), dbSNP rs886039885, ClinGen allele CA10588931.

ClinVar aggregate classification (germline): Uncertain significance. Review status: criteria provided, multiple submitters, no conflicts (2 of 4 stars). 4 submissions from 4 submitters: Uncertain significance (3). 1 of the submissions does not count toward it. Last evaluated 2025-10-21.

Conditions:
Inborn genetic diseases. Identifiers: MedGen C0950123, MeSH D030342.
Focal segmental glomerulosclerosis 2 (FSGS2). Identifiers: Orphanet 656, MedGen C1858915, MONDO:0011390, OMIM 603965.

Allele frequency attached by ClinVar (database versions not stated): gnomAD exomes 0.00002; TOPMed 0.00004; gnomAD 0.00007 and 0.00009.
gnomAD v4.1: 43 of 1,485,180 alleles (0.0029%); highest among the groups gnomAD compares: Non-Finnish European, 0.0038%; no homozygotes.

Submissions (4):

Labcorp Genetics (formerly Invitae), Labcorp
Classification: Uncertain significance. Last evaluated: 2025-10-21. Review status: criteria provided, single submitter. Criteria: Invitae Variant Classification Sherloc (09022015). Collection method: clinical testing. Allele origin: germline.
Comment: This sequence change replaces serine, which is neutral and polar, with threonine, which is neutral and polar, at codon 2 of the TRPC6 protein (p.Ser2Thr). This variant is present in population databases (no rsID available, gnomAD 0.006%). This variant has not been reported in the literature in individuals affected with TRPC6-related conditions. ClinVar contains an entry for this variant (Variation ID: 266000). Invitae Evidence Modeling of protein sequence and biophysical properties (such as structural, functional, and spatial information, amino acid conservation, physicochemical variation, residue mobility, and thermodynamic stability) indicates that this missense variant is not expected to disrupt TRPC6 protein function with a negative predictive value of 95%. In summary, the available evidence is currently insufficient to determine the role of this variant in disease. Therefore, it has been classified as a Variant of Uncertain Significance.

Ambry Genetics
Classification: Uncertain significance for Inborn genetic diseases. Last evaluated: 2023-01-24. Review status: criteria provided, single submitter. Criteria: Ambry Variant Classification Scheme 2023. Collection method: clinical testing. Allele origin: germline.

Fulgent Genetics
Classification: Uncertain significance for Focal segmental glomerulosclerosis 2. Last evaluated: 2022-02-09. Review status: criteria provided, single submitter. Criteria: ACMG Guidelines, 2015. Collection method: clinical testing. Allele origin: unknown.

Bioscientia Institut fuer Medizinische Diagnostik GmbH, Sonic Healthcare
Classification: Uncertain significance for Focal segmental glomerulosclerosis 2. Review status: no assertion criteria provided. Collection method: clinical testing. Allele origin: germline. Affected: yes. Not counted in ClinVar's aggregate classification.